The following is an entry in ClinVar:

ClinVar aggregate classification (germline): Uncertain significance. Review status: criteria provided, multiple submitters, no conflicts (2 of 4 stars). 2 submissions from 2 submitters: Uncertain significance (2). Last evaluated 2024-08-08.

Conditions:
KBG syndrome (KBGS). Also called: ANKRD11-Related KBG Syndrome. Identifiers: Orphanet 2332, MedGen C0220687, MONDO:0007846, OMIM 148050.

Allele frequency attached by ClinVar (database versions not stated): gnomAD 0.00001; TOPMed 0.00001.
gnomAD v4.1: 8 of 1,612,636 alleles (0.0005%); highest among the groups gnomAD compares: East Asian, 0.0022%; no homozygotes.

Submissions (2):

GeneDx
Classification: Uncertain significance. Last evaluated: 2024-08-08. Review status: criteria provided, single submitter. Criteria: GeneDx Variant Classification Process June 2021. Collection method: clinical testing. Allele origin: germline. Affected: yes.
Comment: Not observed at significant frequency in large population cohorts (gnomAD); In silico analysis supports that this missense variant has a deleterious effect on protein structure/function; Has not been previously published as pathogenic or benign to our knowledge

Labcorp Genetics (formerly Invitae), Labcorp
Classification: Uncertain significance for KBG syndrome. Last evaluated: 2022-08-09. Review status: criteria provided, single submitter. Criteria: Invitae Variant Classification Sherloc (09022015). Collection method: clinical testing. Allele origin: germline.
Comment: This sequence change replaces arginine, which is basic and polar, with histidine, which is basic and polar, at codon 2516 of the ANKRD11 protein (p.Arg2516His). This variant is not present in population databases (gnomAD no frequency). This variant has not been reported in the literature in individuals affected with ANKRD11-related conditions. Advanced modeling of protein sequence and biophysical properties (such as structural, functional, and spatial information, amino acid conservation, physicochemical variation, residue mobility, and thermodynamic stability) performed at Invitae indicates that this missense variant is expected to disrupt ANKRD11 protein function. In summary, the available evidence is currently insufficient to determine the role of this variant in disease. Therefore, it has been classified as a Variant of Uncertain Significance.

NM_013275.6(ANKRD11):c.7547G>A (p.Arg2516His)

Gene: ANKRD11 (ankyrin repeat domain 11; minus strand). Cytogenetic location: 16q24.3.
Variant type: single nucleotide variant.
Coding change: c.7547G>A on transcript NM_013275.6 (MANE Select); coding-DNA position 7547, G replaced by A.
Protein change: p.Arg2516His; replaces arginine 2516 with histidine.
Molecular consequence: missense variant.
Genome position (GRCh38, 1-based): chr16:89,275,115, C>T on the plus strand (G>A on the coding strand, the complement: ANKRD11 is on the minus strand). VCF-style: chr16-89275115-C-T. GRCh37 (hg19) VCF-style: chr16-89341523-C-T.
Other names: c.7547G>A, p.Arg2516His (NM_001256182.2, NM_001256183.2); c.7547G>A (NM_013275.5); short protein forms R2516H.
Identifiers: ClinVar variation 1908649 (VCV001908649.6), dbSNP rs1349086238, ClinGen allele CA397147824.